The following is an entry in ClinVar:

NM_001430.5(EPAS1):c.281C>T (p.Ala94Val)

Gene: EPAS1 (endothelial PAS domain protein 1; plus strand). Cytogenetic location: 2p21.
Variant type: single nucleotide variant.
Coding change: c.281C>T on transcript NM_001430.5 (MANE Select); coding-DNA position 281, C replaced by T.
Protein change: p.Ala94Val; replaces alanine 94 with valine.
Molecular consequence: missense variant.
Genome position (GRCh38, 1-based): chr2:46,356,214, C>T. VCF-style: chr2-46356214-C-T. GRCh37 (hg19) VCF-style: chr2-46583353-C-T.
Other names: short protein forms A94V.
Identifiers: ClinVar variation 1796424 (VCV001796424.5), dbSNP rs752029078, ClinGen allele CA1644594.
Genomic context (GRCh38, chr2:46,356,214, plus strand): 5'-GCTCTGAAAACGAGTCCGAAGCCGAAGCTGACCAGCAGATGGACAACTTGTACCTGAAAG[C>T]CTTGGAGGGTTTCATTGCCGTGGTGACCCAAGATGGCGACATGATCTTTCTGTCAGAAAA-3'
Protein context (NP_001421.2, residues 84-104): DQQMDNLYLK[Ala94Val]LEGFIAVVTQ

ClinVar aggregate classification (germline): Uncertain significance. Review status: criteria provided, multiple submitters, no conflicts (2 of 4 stars). 2 submissions from 2 submitters: Uncertain significance (2). Last evaluated 2024-06-18.

Conditions:
Inborn genetic diseases. Identifiers: MedGen C0950123, MeSH D030342.

Allele frequency attached by ClinVar (database versions not stated): ExAC 0.00001; gnomAD exomes 0.00001; TOPMed 0.00002.
gnomAD v4.1: 7 of 1,608,990 alleles (0.00044%); highest among the groups gnomAD compares: South Asian, 0.0011%; no homozygotes.

Submissions (2):

Ambry Genetics
Classification: Uncertain significance for Inborn genetic diseases. Last evaluated: 2024-06-18. Review status: criteria provided, single submitter. Criteria: Ambry Variant Classification Scheme 2023. Collection method: clinical testing. Allele origin: germline.
Comment: The p.A94V variant (also known as c.281C>T), located in coding exon 3 of the EPAS1 gene, results from a C to T substitution at nucleotide position 281. The alanine at codon 94 is replaced by valine, an amino acid with similar properties. This amino acid position is conserved. In addition, this alteration is predicted to be tolerated by in silico analysis. Since supporting evidence is limited at this time, the clinical significance of this alteration remains unclear.

Labcorp Genetics (formerly Invitae), Labcorp
Classification: Uncertain significance. Last evaluated: 2024-03-19. Review status: criteria provided, single submitter. Criteria: Invitae Variant Classification Sherloc (09022015). Collection method: clinical testing. Allele origin: germline.
Comment: This sequence change replaces alanine, which is neutral and non-polar, with valine, which is neutral and non-polar, at codon 94 of the EPAS1 protein (p.Ala94Val). This variant is present in population databases (rs752029078, gnomAD 0.003%). This variant has not been reported in the literature in individuals affected with EPAS1-related conditions. ClinVar contains an entry for this variant (Variation ID: 1796424). An algorithm developed to predict the effect of missense changes on protein structure and function (PolyPhen-2) suggests that this variant is likely to be tolerated. In summary, the available evidence is currently insufficient to determine the role of this variant in disease. Therefore, it has been classified as a Variant of Uncertain Significance.